The following is an entry in ClinVar:

ClinVar aggregate classification (germline): Pathogenic (1 of 4 stars; one submission).

Submission:

GeneDx
Classification: Pathogenic. Last evaluated: 2015-08-20. Review status: criteria provided, single submitter. Criteria: GeneDx Variant Classification (06012015). Collection method: clinical testing. Allele origin: germline. Affected: yes.
Comment: The Q25X nonsense pathogenic variant in the MYCN gene is predicted to cause loss of normal protein function either through protein truncation or nonsense-mediated mRNA decay. This variant has not been reported previously to our knowledge.

NM_005378.6(MYCN):c.73C>T (p.Gln25Ter)

Genes: MYCNOS (MYCN opposite strand; minus strand), MYCN (MYCN proto-oncogene, bHLH transcription factor; plus strand). Cytogenetic location: 2p24.3.
Variant type: single nucleotide variant.
Coding change: c.73C>T on transcript NM_005378.6 (MANE Select); coding-DNA position 73, C replaced by T.
Protein change: p.Gln25Ter; replaces glutamine 25 with a stop codon.
Molecular consequence: nonsense. On other transcripts: 3 prime UTR variant (1), intron variant (1).
Genome position (GRCh38, 1-based): chr2:15,942,137, C>T. VCF-style: chr2-15942137-C-T. GRCh37 (hg19) VCF-style: chr2-16082259-C-T.
Other names: c.73C>T, p.Gln25Ter (NM_001293228.2); c.*8C>T (NM_001293233.2); c.157+1394C>T (NM_001293231.2); short protein forms Q25*.
Identifiers: ClinVar variation 279969 (VCV000279969.2), dbSNP rs886041290, ClinGen allele CA10602808.